The following is an entry in ClinVar:

NM_000179.3(MSH6):c.71C>T (p.Ser24Leu)

Gene: MSH6 (mutS homolog 6; plus strand). Cytogenetic location: 2p16.3.
Variant type: single nucleotide variant.
Coding change: c.71C>T on transcript NM_000179.3 (MANE Select); coding-DNA position 71, C replaced by T.
Protein change: p.Ser24Leu; replaces serine 24 with leucine.
Molecular consequence: missense variant. On other transcripts: 5 prime UTR variant (1).
Genome position (GRCh38, 1-based): chr2:47,783,304, C>T. VCF-style: chr2-47783304-C-T. GRCh37 (hg19) VCF-style: chr2-48010443-C-T.
Other names: c.71C>T, p.Ser24Leu (NM_001281492.2); c.-666C>T (NM_001281493.2); short protein forms S24L.
Identifiers: ClinVar variation 184777 (VCV000184777.23), dbSNP rs786201684, ClinGen allele CA016332.

ClinVar aggregate classification (germline): Conflicting classifications of pathogenicity. Review status: criteria provided, conflicting classifications (1 of 4 stars). 7 submissions from 7 submitters: Uncertain significance (6); Likely benign (1). Last evaluated 2026-10-01.

Conditions:
Hereditary nonpolyposis colorectal neoplasms. Identifiers: MedGen C0009405, MeSH D003123.
Hereditary cancer-predisposing syndrome. Also called: Hereditary neoplastic syndrome; Tumor predisposition; Neoplastic Syndromes, Hereditary; Hereditary Cancer Syndrome. Identifiers: Orphanet 140162, MedGen C0027672, MeSH D009386, MONDO:0015356.
Lynch syndrome 5 (LYNCH5). Also called: Hereditary non-polyposis colorectal cancer, type 5; Colorectal cancer, hereditary nonpolyposis, type 5. Identifiers: Orphanet 144, MedGen C1833477, MONDO:0013710, OMIM 614350. Disease mechanism: loss of function.
Endometrial carcinoma. Also called: Endometrial carcinoma, somatic. Identifiers: MedGen C0476089, MONDO:0002447, OMIM 608089, HP:0012114.

Allele frequency attached by ClinVar (database versions not stated): gnomAD exomes below 0.00001.
gnomAD v4.1: 7 of 1,612,002 alleles (0.00043%); highest among the groups gnomAD compares: Non-Finnish European, 0.00042%; no homozygotes.

Submissions (7):

St. Jude Molecular Pathology, St. Jude Children's Research Hospital
Classification: Uncertain significance for Lynch syndrome 5. Last evaluated: 2026-10-01. Review status: criteria provided, single submitter. Criteria: St. Jude Assertion Criteria 2020. Collection method: clinical testing. Allele origin: germline.
Comment: The MSH6 c.71C>T p.(Ser24Leu) missense change is absent in gnomAD v2.1.1. In silico tools predict a benign effect of this variant on protein function, but to our knowledge this prediction has not been confirmed by functional studies. To our knowledge, this variant has not been reported in patients with Lynch syndrome or CMMRD. In summary, the evidence currently available is insufficient to determine the clinical significance of this variant. It has therefore been classified as of uncertain significance.

Ambry Genetics
Classification: Likely benign for Hereditary cancer-predisposing syndrome. Last evaluated: 2026-07-29. Review status: criteria provided, single submitter. Criteria: Ambry Variant Classification Scheme 2023. Collection method: clinical testing. Allele origin: germline.

Women's Health and Genetics/Laboratory Corporation of America, LabCorp
Classification: Uncertain significance. Last evaluated: 2026-04-20. Review status: criteria provided, single submitter. Criteria: LabCorp Variant Classification Summary - May 2015. Collection method: clinical testing. Allele origin: germline.
Comment: Variant summary: MSH6 c.71C>T (p.Ser24Leu) results in a non-conservative amino acid change in the encoded protein sequence. Algorithms developed to predict the effect of missense changes on protein structure and function are either unavailable or do not agree on the potential impact of this missense change. The variant was absent in 242354 control chromosomes. The available data on variant occurrences in the general population are insufficient to allow any conclusion about variant significance. c.71C>T has been observed in individual(s) affected with Lynch-like syndrome (Xu_2020). This report does not provide unequivocal conclusions about association of the variant with Prostate Cancer. To our knowledge, no experimental evidence demonstrating an impact on protein function has been reported. The following publication has been ascertained in the context of this evaluation (PMID: 32973888). ClinVar contains an entry for this variant (Variation ID: 184777). Based on the evidence outlined above, the variant was classified as uncertain significance.

Color Diagnostics, LLC DBA Color Health
Classification: Uncertain significance for Hereditary cancer-predisposing syndrome. Last evaluated: 2024-02-13. Review status: criteria provided, single submitter. Criteria: ACMG Guidelines, 2015. Collection method: clinical testing. Allele origin: germline.
Comment: This missense variant replaces serine with leucine at codon 24 of the MSH6 protein. Computational prediction suggests that this variant may not impact protein structure and function (internally defined REVEL score threshold <= 0.5, PMID: 27666373). To our knowledge, functional studies have not been reported for this variant. This variant has been reported in an individual affected with mismatch repair deficient colorectal cancer (PMID: 32973888). This variant has not been identified in the general population by the Genome Aggregation Database (gnomAD). The available evidence is insufficient to determine the role of this variant in disease conclusively. Therefore, this variant is classified as a Variant of Uncertain Significance.

Baylor Genetics
Classification: Uncertain significance for Endometrial carcinoma. Last evaluated: 2023-08-15. Review status: criteria provided, single submitter. Criteria: ACMG Guidelines, 2015. Collection method: clinical testing. Allele origin: unknown.

GeneDx
Classification: Uncertain significance. Last evaluated: 2023-07-06. Review status: criteria provided, single submitter. Criteria: GeneDx Variant Classification Process June 2021. Collection method: clinical testing. Allele origin: germline. Affected: yes.
Comment: Not observed at significant frequency in large population cohorts (gnomAD); In silico analysis supports that this missense variant does not alter protein structure/function; Observed in an individual with colorectal cancer (Xu et al., 2020); This variant is associated with the following publications: (PMID: 22949387, 32973888)

Labcorp Genetics (formerly Invitae), Labcorp
Classification: Uncertain significance for Hereditary nonpolyposis colorectal neoplasms. Last evaluated: 2023-03-02. Review status: criteria provided, single submitter. Criteria: Invitae Variant Classification Sherloc (09022015). Collection method: clinical testing. Allele origin: germline.
Comment: In summary, the available evidence is currently insufficient to determine the role of this variant in disease. Therefore, it has been classified as a Variant of Uncertain Significance. Advanced modeling of protein sequence and biophysical properties (such as structural, functional, and spatial information, amino acid conservation, physicochemical variation, residue mobility, and thermodynamic stability) performed at Invitae indicates that this missense variant is not expected to disrupt MSH6 protein function. This sequence change replaces serine, which is neutral and polar, with leucine, which is neutral and non-polar, at codon 24 of the MSH6 protein (p.Ser24Leu). This variant is not present in population databases (gnomAD no frequency). This variant has not been reported in the literature in individuals affected with MSH6-related conditions. ClinVar contains an entry for this variant (Variation ID: 184777).

Literature cited by the submitters: PubMed 32973888 (cited by 3 submitters).